The following is an entry in ClinVar:

ClinVar aggregate classification (germline): Uncertain significance. Review status: criteria provided, multiple submitters, no conflicts (2 of 4 stars). 2 submissions from 2 submitters: Uncertain significance (2). Last evaluated 2024-10-14.

Allele frequency attached by ClinVar (database versions not stated): gnomAD 0.00001; gnomAD exomes 0.00001 and 0.00002; TOPMed 0.00001; ExAC 0.00002; ESP Exome Variant Server 0.00008.
gnomAD v4.1: 35 of 1,612,620 alleles (0.0022%); highest among the groups gnomAD compares: South Asian, 0.0033%; no homozygotes.

Submissions (2):

Blueprint Genetics
Classification: Uncertain significance. Last evaluated: 2024-10-14. Review status: criteria provided, single submitter. Criteria: ACMG Guidelines, 2015. Collection method: clinical testing. Allele origin: germline.

Labcorp Genetics (formerly Invitae), Labcorp
Classification: Uncertain significance. Last evaluated: 2024-01-15. Review status: criteria provided, single submitter. Criteria: Invitae Variant Classification Sherloc (09022015). Collection method: clinical testing. Allele origin: germline.
Comment: This sequence change replaces arginine, which is basic and polar, with cysteine, which is neutral and slightly polar, at codon 131 of the POLE2 protein (p.Arg131Cys). This variant is present in population databases (rs371966509, gnomAD 0.002%). This variant has not been reported in the literature in individuals affected with POLE2-related conditions. ClinVar contains an entry for this variant (Variation ID: 1469337). An algorithm developed to predict the effect of missense changes on protein structure and function (PolyPhen-2) suggests that this variant is likely to be disruptive. In summary, the available evidence is currently insufficient to determine the role of this variant in disease. Therefore, it has been classified as a Variant of Uncertain Significance.

NM_002692.4(POLE2):c.391C>T (p.Arg131Cys)

Gene: POLE2 (DNA polymerase epsilon 2, accessory subunit; minus strand). Cytogenetic location: 14q21.3.
Variant type: single nucleotide variant.
Coding change: c.391C>T on transcript NM_002692.4 (MANE Select); coding-DNA position 391, C replaced by T.
Protein change: p.Arg131Cys; replaces arginine 131 with cysteine.
Molecular consequence: missense variant.
Genome position (GRCh38, 1-based): chr14:49,674,149, G>A on the plus strand (C>T on the coding strand, the complement: POLE2 is on the minus strand). VCF-style: chr14-49674149-G-A. GRCh37 (hg19) VCF-style: chr14-50140867-G-A.
Other names: c.313C>T, p.Arg105Cys (NM_001197330.2); c.391C>T, p.Arg131Cys (NM_001197331.3, NM_001348384.2); c.160C>T, p.Arg54Cys (NM_001348385.2); short protein forms R105C, R131C, R54C.
Identifiers: ClinVar variation 1469337 (VCV001469337.9), dbSNP rs371966509, ClinGen allele CA7173640.
Genomic context (GRCh38, chr14:49,674,149, plus strand): 5'-CAGTATCCTCCCCTCCGCCCCCTACCAAACTTACCTGGTGCAAAATGGTATATCGCTCAC[G>A]AAACATCTCTGCTTTATCTCTTGGTGTTCCAAATAAATTTGGTGCAGGGTGGTTGGTCAT-3'
Protein context (NP_002683.2, residues 121-141): GTPRDKAEMF[Arg131Cys]ERYTILHQRT